The following is an entry in ClinVar:

ClinVar aggregate classification (germline): Uncertain significance (1 of 4 stars; one submission).

Conditions:
Alpha thalassemia-X-linked intellectual disability syndrome (ATRX). Also called: ALPHA-THALASSEMIA/MENTAL RETARDATION SYNDROME, X-LINKED; ATR, NONDELETION TYPE; ATR-X syndrome; Alpha thalassemia mental retardation syndrome, nondeletion type, X-linked; XLMR hypotonic face syndrome; X-linked alpha-thalassemia-mental retardation syndrome. Identifiers: Orphanet 847, MedGen C1845055, MONDO:0010519, OMIM 301040.

gnomAD v4.1: 6 of 1,195,764 alleles (0.0005%); highest among the groups gnomAD compares: Non-Finnish European, 0.00068%; no homozygotes.

Submission:

Labcorp Genetics (formerly Invitae), Labcorp
Classification: Uncertain significance for Alpha thalassemia-X-linked intellectual disability syndrome. Last evaluated: 2024-12-17. Review status: criteria provided, single submitter. Criteria: Invitae Variant Classification Sherloc (09022015). Collection method: clinical testing. Allele origin: germline.
Comment: This sequence change affects codon 221 of the ATRX mRNA. It is a 'silent' change, meaning that it does not change the encoded amino acid sequence of the ATRX protein. It affects a nucleotide within the consensus splice site. This variant is present in population databases (no rsID available, gnomAD 0.001%). This variant has not been reported in the literature in individuals affected with ATRX-related conditions. Algorithms developed to predict the effect of sequence changes on RNA splicing suggest that this variant is not likely to affect RNA splicing. In summary, the available evidence is currently insufficient to determine the role of this variant in disease. Therefore, it has been classified as a Variant of Uncertain Significance.

NM_000489.6(ATRX):c.661A>C (p.Arg221=)

Gene: ATRX (ATRX chromatin remodeler; minus strand). Cytogenetic location: Xq21.1.
Variant type: single nucleotide variant.
Coding change: c.661A>C on transcript NM_000489.6 (MANE Select); coding-DNA position 661, A replaced by C.
Protein change: p.Arg221=; no amino-acid change (arginine 221 retained).
Molecular consequence: synonymous variant.
Genome position (GRCh38, 1-based): chrX:77,684,940, T>G on the plus strand (A>C on the coding strand, the complement: ATRX is on the minus strand). VCF-style: chrX-77684940-T-G. GRCh37 (hg19) VCF-style: chrX-76940432-T-G.
Other names: c.547A>C, p.Arg183= (NM_138270.5).
Identifiers: ClinVar variation 3702790 (VCV003702790.2).